The following is an entry in ClinVar:

NM_001395413.1(POR):c.229-9C>G

Gene: POR (cytochrome p450 oxidoreductase; plus strand). Cytogenetic location: 7q11.23.
Variant type: single nucleotide variant.
Coding change: c.229-9C>G on transcript NM_001395413.1 (MANE Select); 9 bases into the intron before coding-DNA position 229, C replaced by G.
Molecular consequence: intron variant.
Genome position (GRCh38, 1-based): chr7:75,979,442, C>G. VCF-style: chr7-75979442-C-G. GRCh37 (hg19) VCF-style: chr7-75608760-C-G.
Other names: c.229-9C>G (NM_001382662.3, NM_001382659.3, NM_001367562.3 and 2 more transcripts); c.283-9C>G (NM_001382655.3); c.238-9C>G (NM_000941.2).
Identifiers: ClinVar variation 2062445 (VCV002062445.6), dbSNP rs782358364, ClinGen allele CA4303551.

ClinVar aggregate classification (germline): Likely benign. Review status: criteria provided, single submitter (1 of 4 stars). 2 submissions from 2 submitters: Likely benign (1). 1 of the submissions does not count toward it. Last evaluated 2025-12-31.

Conditions:
POR-related disorder. Also called: POR-related condition.
Congenital adrenal hyperplasia due to cytochrome P450 oxidoreductase deficiency. Also called: DISORDERED STEROIDOGENESIS DUE TO POR DEFICIENCY. Identifiers: Orphanet 95699, MedGen C1860042, MONDO:0013310, OMIM 613571.

Allele frequency attached by ClinVar (database versions not stated): TOPMed 0.00001; ExAC 0.00002.
gnomAD v4.1: 37 of 1,612,214 alleles (0.0023%); highest among the groups gnomAD compares: Middle Eastern, 0.05%; no homozygotes.

Submissions (2):

Labcorp Genetics (formerly Invitae), Labcorp
Classification: Likely benign for Congenital adrenal hyperplasia due to cytochrome P450 oxidoreductase deficiency. Last evaluated: 2025-12-31. Review status: criteria provided, single submitter. Criteria: Invitae Variant Classification Sherloc (09022015). Collection method: clinical testing. Allele origin: germline.

PreventionGenetics, part of Exact Sciences
Classification: Likely benign for POR-related condition. Last evaluated: 2021-02-09. Review status: no assertion criteria provided. Collection method: clinical testing. Allele origin: germline. Not counted in ClinVar's aggregate classification.
Comment: This variant is classified as likely benign based on ACMG/AMP sequence variant interpretation guidelines (Richards et al. 2015 PMID: 25741868, with internal and published modifications).